The following is an entry in ClinVar:

NM_182977.3(NNT):c.1760G>A (p.Arg587His)

Gene: NNT (nicotinamide nucleotide transhydrogenase; plus strand). Cytogenetic location: 5p12.
Variant type: single nucleotide variant.
Coding change: c.1760G>A on transcript NM_182977.3 (MANE Select); coding-DNA position 1760, G replaced by A.
Protein change: p.Arg587His; replaces arginine 587 with histidine.
Molecular consequence: missense variant.
Genome position (GRCh38, 1-based): chr5:43,651,781, G>A. VCF-style: chr5-43651781-G-A. GRCh37 (hg19) VCF-style: chr5-43651883-G-A.
Other names: c.1367G>A, p.Arg456His (NM_001331026.2); c.1760G>A, p.Arg587His (NM_012343.4); c.1760G>A (NM_012343.3); short protein forms R587H, R456H.
Identifiers: ClinVar variation 1980022 (VCV001980022.5), dbSNP rs759070764, ClinGen allele CA3258068.

ClinVar aggregate classification (germline): Uncertain significance. Review status: criteria provided, multiple submitters, no conflicts (2 of 4 stars). 3 submissions from 3 submitters: Uncertain significance (3). Last evaluated 2025-02-04.

Conditions:
Inborn genetic diseases. Identifiers: MedGen C0950123, MeSH D030342.

Allele frequency attached by ClinVar (database versions not stated): gnomAD 0.00003; TOPMed 0.00004; gnomAD exomes 0.00005; ExAC 0.00007.
gnomAD v4.1: 72 of 1,614,004 alleles (0.0045%); highest among the groups gnomAD compares: Admixed American, 0.038%; no homozygotes.

Submissions (3):

GeneDx
Classification: Uncertain significance. Last evaluated: 2025-02-04. Review status: criteria provided, single submitter. Criteria: GeneDx Variant Classification Process June 2021. Collection method: clinical testing. Allele origin: germline. Affected: yes.
Comment: In silico analysis supports that this missense variant has a deleterious effect on protein structure/function; Has not been previously published as pathogenic or benign to our knowledge

Labcorp Genetics (formerly Invitae), Labcorp
Classification: Uncertain significance. Last evaluated: 2024-11-05. Review status: criteria provided, single submitter. Criteria: Invitae Variant Classification Sherloc (09022015). Collection method: clinical testing. Allele origin: germline.
Comment: This sequence change replaces arginine, which is basic and polar, with histidine, which is basic and polar, at codon 587 of the NNT protein (p.Arg587His). The frequency data for this variant in the population databases is considered unreliable, as metrics indicate poor data quality at this position in the gnomAD database. This variant has not been reported in the literature in individuals affected with NNT-related conditions. ClinVar contains an entry for this variant (Variation ID: 1980022). An algorithm developed to predict the effect of missense changes on protein structure and function (PolyPhen-2) suggests that this variant is likely to be disruptive. In summary, the available evidence is currently insufficient to determine the role of this variant in disease. Therefore, it has been classified as a Variant of Uncertain Significance.

Ambry Genetics
Classification: Uncertain significance for Inborn genetic diseases. Last evaluated: 2023-10-03. Review status: criteria provided, single submitter. Criteria: Ambry Variant Classification Scheme 2023. Collection method: clinical testing. Allele origin: germline.